The following is an entry in ClinVar:

ClinVar aggregate classification (germline): Uncertain significance (1 of 4 stars; one submission).

gnomAD v4.1: 1 of 1,551,664 alleles (0.000064%); highest among the groups gnomAD compares: Admixed American, 0.0017%; no homozygotes.

Submission:

Labcorp Genetics (formerly Invitae), Labcorp
Classification: Uncertain significance. Last evaluated: 2024-11-06. Review status: criteria provided, single submitter. Criteria: Invitae Variant Classification Sherloc (09022015). Collection method: clinical testing. Allele origin: germline.
Comment: This sequence change replaces glycine, which is neutral and non-polar, with arginine, which is basic and polar, at codon 346 of the ELP4 protein (p.Gly346Arg). This variant also falls at the last nucleotide of exon 8, which is part of the consensus splice site for this exon. This variant is present in population databases (no rsID available, gnomAD 0.003%). This variant has not been reported in the literature in individuals affected with ELP4-related conditions. An algorithm developed to predict the effect of missense changes on protein structure and function (PolyPhen-2) suggests that this variant is likely to be disruptive. Variants that disrupt the consensus splice site are a relatively common cause of aberrant splicing (PMID: 17576681, 9536098). In summary, the available evidence is currently insufficient to determine the role of this variant in disease. Therefore, it has been classified as a Variant of Uncertain Significance.

Literature cited by the submitters: PubMed 17576681; PubMed 9536098.

NM_019040.5(ELP4):c.1036G>C (p.Gly346Arg)

Genes: ELP4 (elongator acetyltransferase complex subunit 4; plus strand), PAX6DRR (PAX6 downstream regulatory region; plus strand). Cytogenetic location: 11p13.
Variant type: single nucleotide variant.
Coding change: c.1036G>C on transcript NM_019040.5 (MANE Select); coding-DNA position 1036, G replaced by C.
Protein change: p.Gly346Arg; replaces glycine 346 with arginine.
Molecular consequence: missense variant.
Genome position (GRCh38, 1-based): chr11:31,647,849, G>C. VCF-style: chr11-31647849-G-C. GRCh37 (hg19) VCF-style: chr11-31669397-G-C.
Other names: c.1039G>C, p.Gly347Arg (NM_001288725.2); c.1036G>C, p.Gly346Arg (NM_001288726.2); short protein forms G347R, G346R.
Identifiers: ClinVar variation 3702600 (VCV003702600.2).